The following is an entry in ClinVar:

NM_001267550.2(TTN):c.95062_95063del (p.Leu31688fs)

Genes: TTN-AS1 (TTN antisense RNA 1; plus strand), TTN (titin; minus strand). Cytogenetic location: 2q31.2.
Variant type: Deletion.
Coding change: c.95062_95063del on transcript NM_001267550.2 (MANE Select); coding-DNA positions 95062 to 95063, 2 bases deleted (TT; older notation c.95062_95063delTT).
Protein change: p.Leu31688fs; shifts the reading frame from leucine 31688.
Molecular consequence: frameshift variant.
Genome position (GRCh38, 1-based): chr2:178,546,268-178,546,269, AA deleted on the plus strand (TT on the coding strand, the reverse complement: TTN is on the minus strand); deleting any 2 consecutive bases within chr2:178,546,268-178,546,270 gives the same sequence; the c. name uses the placement nearest the transcript's 3' end. VCF-style (leftmost placement, unchanged base first): chr2-178546267-TAA-T. GRCh37 (hg19) VCF-style: chr2-179410994-TAA-T.
Other names: c.90139_90140del, p.Leu30047fs (NM_001256850.1); c.67867_67868del, p.Leu22623fs (NM_003319.4); c.87358_87359del, p.Leu29120fs (NM_133378.4); c.68242_68243del, p.Leu22748fs (NM_133432.3); c.68443_68444del, p.Leu22815fs (NM_133437.4); short protein forms L31688fs, L30047fs, L22748fs, L22815fs, L29120fs, L22623fs.
Identifiers: ClinVar variation 1349431 (VCV001349431.6), dbSNP rs2154145784, ClinGen allele CA2573134083.
Genomic context (GRCh38, chr2:178,546,267, plus strand): 5'-CTTACCAAGCACTTTGACCATGACAGACACGGCCTTGGTCCCGCTGGCATTTTTCACTGT[TAA>T]AGTGTATTTTCCACTGTCACTTCTGTCACAGAACTTGATCACAGCAGTTGCTCGTTTGCC-3'

ClinVar aggregate classification (germline): Likely pathogenic (1 of 4 stars; one submission).

Conditions:
Dilated cardiomyopathy 1G (CMD1G). Identifiers: Orphanet 154, MedGen C1858763, MONDO:0011400, OMIM 604145.
Autosomal recessive limb-girdle muscular dystrophy type 2J (LGMDR10). Also called: Limb-girdle muscular dystrophy, type 2J; MUSCULAR DYSTROPHY, LIMB-GIRDLE, AUTOSOMAL RECESSIVE 10. Identifiers: Orphanet 140922, MedGen C1837342, MONDO:0012127, OMIM 608807.

Submission:

Labcorp Genetics (formerly Invitae), Labcorp
Classification: Likely pathogenic for Dilated cardiomyopathy 1G; Autosomal recessive limb-girdle muscular dystrophy type 2J. Last evaluated: 2025-01-14. Review status: criteria provided, single submitter. Criteria: Invitae Variant Classification Sherloc (09022015). Collection method: clinical testing. Allele origin: germline.
Comment: This sequence change creates a premature translational stop signal (p.Leu31688Asnfs*19) in the TTN gene. While this is not anticipated to result in nonsense mediated decay, it is expected to create a truncated TTN protein. This variant is not present in population databases (gnomAD no frequency). This variant has not been reported in the literature in individuals affected with TTN-related conditions. ClinVar contains an entry for this variant (Variation ID: 1349431). This variant is located in the A band of TTN (PMID: 25589632). Truncating variants in this region are significantly overrepresented in patients affected with dilated cardiomyopathy (PMID: 25589632). Truncating variants in this region have also been reported in individuals affected with autosomal recessive centronuclear myopathy (PMID: 23975875). In summary, the currently available evidence indicates that the variant is pathogenic, but additional data are needed to prove that conclusively. Therefore, this variant has been classified as Likely Pathogenic.

Literature cited by the submitters: PubMed 25589632; PubMed 23975875.